The following is an entry in ClinVar:

ClinVar aggregate classification (germline): Uncertain significance (1 of 4 stars; one submission).

Allele frequency attached by ClinVar (database versions not stated): gnomAD exomes below 0.00001; TOPMed below 0.00001.
gnomAD v4.1: 1 of 1,613,940 alleles (0.000062%); highest among the groups gnomAD compares: Admixed American, 0.0017%; no homozygotes.

Submission:

Labcorp Genetics (formerly Invitae), Labcorp
Classification: Uncertain significance. Last evaluated: 2025-05-18. Review status: criteria provided, single submitter. Criteria: Invitae Variant Classification Sherloc (09022015). Collection method: clinical testing. Allele origin: germline.
Comment: This sequence change replaces valine, which is neutral and non-polar, with glutamic acid, which is acidic and polar, at codon 76 of the AAAS protein (p.Val76Glu). This variant is not present in population databases (gnomAD no frequency). This variant has not been reported in the literature in individuals affected with AAAS-related conditions. ClinVar contains an entry for this variant (Variation ID: 1931622). Invitae Evidence Modeling of protein sequence and biophysical properties (such as structural, functional, and spatial information, amino acid conservation, physicochemical variation, residue mobility, and thermodynamic stability) indicates that this missense variant is not expected to disrupt AAAS protein function with a negative predictive value of 80%. In summary, the available evidence is currently insufficient to determine the role of this variant in disease. Therefore, it has been classified as a Variant of Uncertain Significance.

NM_015665.6(AAAS):c.227T>A (p.Val76Glu)

Gene: AAAS (aladin WD repeat nucleoporin; minus strand). Cytogenetic location: 12q13.13.
Variant type: single nucleotide variant.
Coding change: c.227T>A on transcript NM_015665.6 (MANE Select); coding-DNA position 227, T replaced by A.
Protein change: p.Val76Glu; replaces valine 76 with glutamic acid.
Molecular consequence: missense variant.
Genome position (GRCh38, 1-based): chr12:53,320,589, A>T on the plus strand (T>A on the coding strand, the complement: AAAS is on the minus strand). VCF-style: chr12-53320589-A-T. GRCh37 (hg19) VCF-style: chr12-53714373-A-T.
Other names: c.227T>A, p.Val76Glu (NM_001173466.2); short protein forms V76E.
Identifiers: ClinVar variation 1931622 (VCV001931622.3), dbSNP rs1944537360, ClinGen allele CA385046180.